The following is an entry in ClinVar:

NM_032237.5(POMK):c.407C>T (p.Thr136Met)

Gene: POMK (protein O-mannose kinase; plus strand). Cytogenetic location: 8p11.21.
Variant type: single nucleotide variant.
Coding change: c.407C>T on transcript NM_032237.5 (MANE Select); coding-DNA position 407, C replaced by T.
Protein change: p.Thr136Met; replaces threonine 136 with methionine.
Molecular consequence: missense variant.
Genome position (GRCh38, 1-based): chr8:43,122,231, C>T. VCF-style: chr8-43122231-C-T. GRCh37 (hg19) VCF-style: chr8-42977374-C-T.
Other names: c.407C>T, p.Thr136Met (NM_001277971.2); short protein forms T136M.
Identifiers: ClinVar variation 474191 (VCV000474191.10), dbSNP rs138216719, ClinGen allele CA4736281.

ClinVar aggregate classification (germline): Uncertain significance. Review status: criteria provided, multiple submitters, no conflicts (2 of 4 stars). 3 submissions from 3 submitters: Uncertain significance (3). Last evaluated 2024-09-10.

Conditions:
Muscular dystrophy-dystroglycanopathy (congenital with brain and eye anomalies), type a, 12 (MDDGA12). Also called: WALKER-WARBURG SYNDROME OR MUSCLE-EYE-BRAIN DISEASE, POMK-RELATED. Identifiers: Orphanet 899, MedGen C3808964, MONDO:0014101, OMIM 615249.
Limb-girdle muscular dystrophy due to POMK deficiency. Also called: Muscular dystrophy-dystroglycanopathy (limb-girdle), type c, 12; MUSCULAR DYSTROPHY-DYSTROGLYCANOPATHY, LIMB-GIRDLE, POMK-RELATED. Identifiers: Orphanet 445110, MedGen C4015184, MONDO:0014489, OMIM 616094.

Allele frequency attached by ClinVar (database versions not stated): gnomAD 0.00005 and 0.00006; ExAC 0.00006; ESP Exome Variant Server 0.00008; gnomAD exomes 0.00008; TOPMed 0.00008.
gnomAD v4.1: 54 of 1,614,068 alleles (0.0033%); highest among the groups gnomAD compares: Admixed American, 0.037%; no homozygotes.

Submissions (3):

GeneDx
Classification: Uncertain significance. Last evaluated: 2024-09-10. Review status: criteria provided, single submitter. Criteria: GeneDx Variant Classification Process June 2021. Collection method: clinical testing. Allele origin: germline. Affected: yes.
Comment: In silico analysis indicates that this missense variant does not alter protein structure/function; Has not been previously published as pathogenic or benign to our knowledge

Labcorp Genetics (formerly Invitae), Labcorp
Classification: Uncertain significance for Muscular dystrophy-dystroglycanopathy (congenital with brain and eye anomalies), type a, 12; Limb-girdle muscular dystrophy due to POMK deficiency. Last evaluated: 2023-08-04. Review status: criteria provided, single submitter. Criteria: Invitae Variant Classification Sherloc (09022015). Collection method: clinical testing. Allele origin: germline.
Comment: Advanced modeling of protein sequence and biophysical properties (such as structural, functional, and spatial information, amino acid conservation, physicochemical variation, residue mobility, and thermodynamic stability) performed at Invitae indicates that this missense variant is not expected to disrupt POMK protein function. In summary, the available evidence is currently insufficient to determine the role of this variant in disease. Therefore, it has been classified as a Variant of Uncertain Significance. ClinVar contains an entry for this variant (Variation ID: 474191). This sequence change replaces threonine, which is neutral and polar, with methionine, which is neutral and non-polar, at codon 136 of the POMK protein (p.Thr136Met). This variant is present in population databases (rs138216719, gnomAD 0.04%). This variant has not been reported in the literature in individuals affected with POMK-related conditions.

Revvity Omics, Revvity
Classification: Uncertain significance. Last evaluated: 2022-05-17. Review status: criteria provided, single submitter. Criteria: ACMG Guidelines, 2015. Collection method: clinical testing. Allele origin: germline.